The following is an entry in ClinVar:

ClinVar aggregate classification (germline): Uncertain significance (1 of 4 stars; one submission).

Conditions:
Cardiovascular phenotype. Identifiers: MedGen CN230736.

Allele frequency attached by ClinVar (database versions not stated): gnomAD 0.00001.
gnomAD v4.1: 1 of 1,613,952 alleles (0.000062%); highest among the groups gnomAD compares: Non-Finnish European, 0.000085%; no homozygotes.

Submission:

Ambry Genetics
Classification: Uncertain significance for Cardiovascular phenotype. Last evaluated: 2022-11-02. Review status: criteria provided, single submitter. Criteria: Ambry Variant Classification Scheme 2023. Collection method: clinical testing. Allele origin: germline.
Comment: The p.D2129N variant (also known as c.6385G>A), located in coding exon 38 of the ANK2 gene, results from a G to A substitution at nucleotide position 6385. The aspartic acid at codon 2129 is replaced by asparagine, an amino acid with highly similar properties. This amino acid position is conserved. In addition, this alteration is predicted to be tolerated by in silico analysis. Since supporting evidence is limited at this time, the clinical significance of this alteration remains unclear.

NM_001148.6(ANK2):c.6385G>A (p.Asp2129Asn)

Gene: ANK2 (ankyrin 2; plus strand). Cytogenetic location: 4q26.
Variant type: single nucleotide variant.
Coding change: c.6385G>A on transcript NM_001148.6 (MANE Select); coding-DNA position 6385, G replaced by A.
Protein change: p.Asp2129Asn; replaces aspartic acid 2129 with asparagine.
Molecular consequence: missense variant. On other transcripts: intron variant (68).
Genome position (GRCh38, 1-based): chr4:113,355,003, G>A. VCF-style: chr4-113355003-G-A. GRCh37 (hg19) VCF-style: chr4-114276159-G-A.
Other names: c.6151G>A, p.Asp2051Asn (NM_001386142.1); c.2785G>A, p.Asp929Asn (NM_001386166.1); c.6526G>A, p.Asp2176Asn (NM_001386174.1); c.6502G>A, p.Asp2168Asn (NM_001386175.1); c.4411+4754G>A (NM_001386186.2, NM_001386148.2); c.4213+4754G>A (NM_001354269.3); c.4291+4754G>A (NM_001386187.2); c.4252+4754G>A (NM_001386147.1); and 35 more; short protein forms D2176N, D929N, D2051N, D2129N, D2168N.
Identifiers: ClinVar variation 2450619 (VCV002450619.2), dbSNP rs1255026715, ClinGen allele CA357923448.